The following is an entry in ClinVar:

ClinVar aggregate classification (germline): Uncertain significance (1 of 4 stars; one submission).

Conditions:
Citrullinemia. Identifiers: Orphanet 187, MedGen C0175683, MONDO:0015991.

Submission:

Labcorp Genetics (formerly Invitae), Labcorp
Classification: Uncertain significance for Citrullinemia. Last evaluated: 2022-02-05. Review status: criteria provided, single submitter. Criteria: Invitae Variant Classification Sherloc (09022015). Collection method: clinical testing. Allele origin: germline.
Comment: In summary, the available evidence is currently insufficient to determine the role of this variant in disease. Therefore, it has been classified as a Variant of Uncertain Significance. Experimental studies and prediction algorithms are not available or were not evaluated, and the functional significance of this variant is currently unknown. This variant has not been reported in the literature in individuals affected with ASS1-related conditions. This variant results in a copy number gain of the genomic region encompassing exon(s) 3-10 of the ASS1 gene. This region includes the initiator codon of the gene. This copy number gain extends beyond the assayed region for this gene and therefore may encompass additional genes. As the precise location of this event is unknown, it may be in tandem or it may be located elsewhere in the genome.

NC_000009.11:g.(?_133327616)_(133352368_?)dup

Gene: ASS1 (argininosuccinate synthase 1; plus strand). Cytogenetic location: 9q34.11.
Variant type: Duplication.
Identifiers: ClinVar variation 1371853 (VCV001371853.10).